The following is an entry in ClinVar:

NM_001367624.2(ZNF469):c.8537C>T (p.Ala2846Val)

Gene: ZNF469 (zinc finger protein 469; plus strand). Cytogenetic location: 16q24.2.
Variant type: single nucleotide variant.
Coding change: c.8537C>T on transcript NM_001367624.2 (MANE Select); coding-DNA position 8537, C replaced by T.
Protein change: p.Ala2846Val; replaces alanine 2846 with valine.
Molecular consequence: missense variant.
Genome position (GRCh38, 1-based): chr16:88,436,007, C>T. VCF-style: chr16-88436007-C-T. GRCh37 (hg19) VCF-style: chr16-88502415-C-T.
Other names: NM_001127464.1:c.8453C>T; short protein forms A2846V.
Identifiers: ClinVar variation 3390766 (VCV003390766.1).

ClinVar aggregate classification (germline): Uncertain significance (1 of 4 stars; one submission).

Submission:

GeneDx
Classification: Uncertain significance. Last evaluated: 2024-06-10. Review status: criteria provided, single submitter. Criteria: GeneDx Variant Classification Process June 2021. Collection method: clinical testing. Allele origin: germline. Affected: yes.
Comment: Not observed at significant frequency in large population cohorts (gnomAD); In silico analysis indicates that this missense variant does not alter protein structure/function; Has not been previously published as pathogenic or benign to our knowledge